The following is an entry in ClinVar:

NM_000944.5(PPP3CA):c.1308_1312dup (p.Ser438fs)

Gene: PPP3CA (protein phosphatase 3 catalytic subunit alpha; minus strand). Cytogenetic location: 4q24.
Variant type: Duplication.
Coding change: c.1308_1312dup on transcript NM_000944.5 (MANE Select); coding-DNA positions 1308 to 1312, 5 bases duplicated (ACTTT; older notation c.1308_1312dupACTTT).
Protein change: p.Ser438fs; shifts the reading frame from serine 438.
Molecular consequence: frameshift variant.
Genome position (GRCh38, 1-based): chr4:101,032,294-101,032,298, AAAGT duplicated on the plus strand (ACTTT on the coding strand, the reverse complement: PPP3CA is on the minus strand); duplicating any 5 consecutive bases within chr4:101,032,294-101,032,299 gives the same sequence; the c. name uses the placement nearest the transcript's 3' end. VCF-style (leftmost placement, unchanged base first): chr4-101032293-G-GAAAGT. GRCh37 (hg19) VCF-style: chr4-101953450-G-GAAAGT.
Other names: c.1308_1312dup, p.Ser438fs (NM_001130691.2); c.1182_1186dup, p.Ser396fs (NM_001130692.2); short protein forms S396fs, S438fs.
Identifiers: ClinVar variation 3236340 (VCV003236340.2), dbSNP rs2476210016, ClinGen allele CA2825001278.

ClinVar aggregate classification (germline): Pathogenic/Likely pathogenic. Review status: criteria provided, multiple submitters, no conflicts (2 of 4 stars). 2 submissions from 2 submitters: Pathogenic (1); Likely pathogenic (1). Last evaluated 2024-02-16.

Conditions:
PPP3CA-related disorder. Also called: PPP3CA-related disorders; PPP3CA-related condition.
Developmental and epileptic encephalopathy 91. Also called: EPILEPTIC ENCEPHALOPATHY, INFANTILE OR EARLY CHILDHOOD, 1. Identifiers: MedGen C4540199, MONDO:0020630, OMIM 617711.

Submissions (2):

MVZ Medizinische Genetik Mainz
Classification: Pathogenic for Developmental and epileptic encephalopathy 91. Last evaluated: 2024-02-16. Review status: criteria provided, single submitter. Criteria: UK Practice Guidelines For Variant Classification V4 01 2020. Collection method: clinical testing. Allele origin: germline. Inheritance: Autosomal dominant inheritance. Affected: yes. Observed: 1 variant allele.
Comment: ACMG Criteria: PVS1,PM1,PM2_SUP

Blueprint Genetics
Classification: Likely pathogenic for PPP3CA-related disorders. Last evaluated: 2019-12-19. Review status: criteria provided, single submitter. Criteria: ACMG Guidelines, 2015. Collection method: clinical testing. Allele origin: de novo. Affected: yes. Observed: 1 variant allele.